The following is an entry in ClinVar:

NM_006421.5(ARFGEF1):c.1275A>G (p.Leu425=)

Gene: ARFGEF1 (ARF guanine nucleotide exchange factor 1; minus strand). Cytogenetic location: 8q13.2.
Variant type: single nucleotide variant.
Coding change: c.1275A>G on transcript NM_006421.5 (MANE Select); coding-DNA position 1275, A replaced by G.
Protein change: p.Leu425=; no amino-acid change (leucine 425 retained).
Molecular consequence: synonymous variant. On other transcripts: non-coding transcript variant (1), intron variant (1).
Genome position (GRCh38, 1-based): chr8:67,276,038, T>C on the plus strand (A>G on the coding strand, the complement: ARFGEF1 is on the minus strand). VCF-style: chr8-67276038-T-C. GRCh37 (hg19) VCF-style: chr8-68188273-T-C.
Other names: NC_000008.10:g.68188273T>C; c.1275A>G, p.Leu425= (NM_001413184.1, NM_001413185.1, NM_001413186.1 and 7 more transcripts); c.675A>G, p.Leu225= (NM_001413188.1, NM_001413193.1, NM_001413197.1); c.-88-4102A>G (NM_001413196.1).
Identifiers: ClinVar variation 3033308 (VCV003033308.9), dbSNP rs144593475, ClinGen allele CA4772280.

ClinVar aggregate classification (germline): Likely benign. Review status: criteria provided, multiple submitters, no conflicts (2 of 4 stars). 4 submissions from 4 submitters: Likely benign (3). 1 of the submissions does not count toward it. Last evaluated 2026-07-01.

Conditions:
ARFGEF1-related disorder. Also called: ARFGEF1-related condition.
Developmental delay, impaired speech, and behavioral abnormalities, with or without seizures (DEDISB). Identifiers: MedGen C5575272, MONDO:0859263, OMIM 619964.

Allele frequency attached by ClinVar (database versions not stated): 1000 Genomes Project 0.00040; 1000 Genomes Project 30x 0.00047; TOPMed 0.00141; ESP Exome Variant Server 0.00161; gnomAD 0.00167; ExAC 0.00181; gnomAD exomes 0.00260.
gnomAD v4.1: 4,054 of 1,613,476 alleles (0.25%); highest among the groups gnomAD compares: Non-Finnish European, 0.28%; 5 homozygotes.

Submissions (7):

CeGaT Center for Human Genetics Tuebingen
Classification: Likely benign. Last evaluated: 2026-07-01. Review status: criteria provided, single submitter. Criteria: CeGaT Center For Human Genetics Tuebingen Variant Classification Criteria Version 2. Collection method: clinical testing. Allele origin: germline. Affected: yes. Observed: 2 variant alleles.
Comment: ARFGEF1: BP4, BS1

Blueprint Genetics
Classification: Likely benign. Last evaluated: 2024-11-27. Review status: criteria provided, single submitter. Criteria: ACMG Guidelines, 2015. Collection method: clinical testing. Allele origin: germline.

Molecular Genetics, Royal Melbourne Hospital
Classification: Likely benign for Developmental delay, impaired speech, and behavioral abnormalities, with or without seizures. Last evaluated: 2023-05-04. Review status: criteria provided, single submitter. Criteria: ACMG Guidelines, 2015. Collection method: clinical testing. Allele origin: germline. Affected: yes.
Comment: European Non-Finnish population allele frequency is 0.2437% (rs144593475, 314/128824 alleles, 2 homozygotes in gnomAD v2.1). Based on the classification scheme RMH Modified ACMG/AMP Guidelines v1.5.1, this variant is classified as LIKELY BENIGN. Following criteria are met: BS1

PreventionGenetics, part of Exact Sciences
Classification: Likely benign for ARFGEF1-related condition. Last evaluated: 2023-03-31. Review status: no assertion criteria provided. Collection method: clinical testing. Allele origin: germline. Not counted in ClinVar's aggregate classification.
Comment: This variant is classified as likely benign based on ACMG/AMP sequence variant interpretation guidelines (Richards et al. 2015 PMID: 25741868, with internal and published modifications).

Dr. Peter K. Rogan Lab, Western University
No classification provided (evidence only). Condition: Familial cancer of breast. Review status: no classification provided. Collection method: in vitro. Allele origin: not applicable. Functional consequence: retained intron. Not counted in ClinVar's aggregate classification.

Dr. Peter K. Rogan Lab, Western University
No classification provided (evidence only). Condition: Thyroid cancer, nonmedullary, 1. Review status: no classification provided. Collection method: in vitro. Allele origin: not applicable. Functional consequence: retained intron. Not counted in ClinVar's aggregate classification.

Dr. Peter K. Rogan Lab, Western University
No classification provided (evidence only). Condition: Cervical cancer. Review status: no classification provided. Collection method: in vitro. Allele origin: not applicable. Functional consequence: skipped exon. Not counted in ClinVar's aggregate classification.